The following is an entry in ClinVar:

ClinVar aggregate classification (germline): Uncertain significance. Review status: criteria provided, multiple submitters, no conflicts (2 of 4 stars). 4 submissions from 4 submitters: Uncertain significance (4). Last evaluated 2024-11-12.

Conditions:
Inborn genetic diseases. Identifiers: MedGen C0950123, MeSH D030342.
Developmental and epileptic encephalopathy. Identifiers: MedGen C5779964, MONDO:0100620.

Allele frequency attached by ClinVar (database versions not stated): 1000 Genomes Project 0.00020; 1000 Genomes Project 30x 0.00031; TOPMed 0.00003; gnomAD exomes 0.00006 and 0.00011; gnomAD 0.00011 and 0.00013; ExAC 0.00014.

Submissions (4):

Blueprint Genetics
Classification: Uncertain significance. Last evaluated: 2024-11-12. Review status: criteria provided, single submitter. Criteria: ACMG Guidelines, 2015. Collection method: clinical testing. Allele origin: germline.

GeneDx
Classification: Uncertain significance. Last evaluated: 2024-02-29. Review status: criteria provided, single submitter. Criteria: GeneDx Variant Classification Process June 2021. Collection method: clinical testing. Allele origin: germline. Affected: yes.
Comment: In silico analysis supports that this missense variant has a deleterious effect on protein structure/function; Has not been previously published as pathogenic or benign to our knowledge

Ambry Genetics
Classification: Uncertain significance for Inborn genetic diseases. Last evaluated: 2023-02-14. Review status: criteria provided, single submitter. Criteria: Ambry Variant Classification Scheme 2023. Collection method: clinical testing. Allele origin: germline.

Labcorp Genetics (formerly Invitae), Labcorp
Classification: Uncertain significance for Early-infantile DEE. Last evaluated: 2022-08-06. Review status: criteria provided, single submitter. Criteria: Invitae Variant Classification Sherloc (09022015). Collection method: clinical testing. Allele origin: germline.
Comment: This sequence change replaces threonine, which is neutral and polar, with methionine, which is neutral and non-polar, at codon 169 of the SLC25A22 protein (p.Thr169Met). This variant is present in population databases (rs533726078, gnomAD 0.06%). This variant has not been reported in the literature in individuals affected with SLC25A22-related conditions. ClinVar contains an entry for this variant (Variation ID: 418494). Algorithms developed to predict the effect of missense changes on protein structure and function are either unavailable or do not agree on the potential impact of this missense change (SIFT: "Deleterious"; PolyPhen-2: "Probably Damaging"; Align-GVGD: "Class C0"). In summary, the available evidence is currently insufficient to determine the role of this variant in disease. Therefore, it has been classified as a Variant of Uncertain Significance.

NM_001191061.2(SLC25A22):c.506C>T (p.Thr169Met)

Gene: SLC25A22 (solute carrier family 25 member 22; minus strand). Cytogenetic location: 11p15.5.
Variant type: single nucleotide variant.
Coding change: c.506C>T on transcript NM_001191061.2 (MANE Select); coding-DNA position 506, C replaced by T.
Protein change: p.Thr169Met; replaces threonine 169 with methionine.
Molecular consequence: missense variant.
Genome position (GRCh38, 1-based): chr11:792,634, G>A on the plus strand (C>T on the coding strand, the complement: SLC25A22 is on the minus strand). VCF-style: chr11-792634-G-A. GRCh37 (hg19) VCF-style: chr11-792634-G-A.
Other names: c.506C>T, p.Thr169Met (NM_001191060.2, NM_024698.6); short protein forms T169M.
Identifiers: ClinVar variation 418494 (VCV000418494.11), dbSNP rs533726078, ClinGen allele CA5789167.